The following is an entry in ClinVar:

ClinVar aggregate classification (germline): Uncertain significance (1 of 4 stars; one submission).

Conditions:
Cardiomyopathy (CMYO). Also called: Cardiomyopathies. Identifiers: Orphanet 167848, MedGen C0878544, MONDO:0004994, HP:0001638. Inheritance: Various modes of inheritance.

Submission:

Color Diagnostics, LLC DBA Color Health
Classification: Uncertain significance for Cardiomyopathy. Last evaluated: 2024-03-06. Review status: criteria provided, single submitter. Criteria: ACMG Guidelines, 2015. Collection method: clinical testing. Allele origin: germline.
Comment: This missense variant replaces serine with tyrosine at codon 2006 of the DSP protein. Computational prediction suggests that this variant may not impact protein structure and function (internally defined REVEL score threshold <= 0.5, PMID: 27666373). Splice site prediction tools suggest that this variant may not impact RNA splicing. To our knowledge, functional studies have not been performed for this variant. This variant has not been reported in individuals affected with cardiovascular disorders in the literature. This variant has not been identified in the general population by the Genome Aggregation Database (gnomAD). The available evidence is insufficient to determine the role of this variant in disease conclusively. Therefore, this variant is classified as a Variant of Uncertain Significance.

NM_004415.4(DSP):c.6017C>A (p.Ser2006Tyr)

Gene: DSP (desmoplakin; plus strand). Cytogenetic location: 6p24.3.
Variant type: single nucleotide variant.
Coding change: c.6017C>A on transcript NM_004415.4 (MANE Select); coding-DNA position 6017, C replaced by A.
Protein change: p.Ser2006Tyr; replaces serine 2006 with tyrosine.
Molecular consequence: missense variant.
Genome position (GRCh38, 1-based): chr6:7,583,279, C>A. VCF-style: chr6-7583279-C-A. GRCh37 (hg19) VCF-style: chr6-7583512-C-A.
Other names: c.4220C>A, p.Ser1407Tyr (NM_001008844.3); c.4688C>A, p.Ser1563Tyr (NM_001319034.2); short protein forms S1563Y, S2006Y, S1407Y.
Identifiers: ClinVar variation 920189 (VCV000920189.4), dbSNP rs1759511635, ClinGen allele CA362689913.
Genomic context (GRCh38, chr6:7,583,279, plus strand): 5'-TCGACAAAACAACCTTGGACAAACTATTGAAGGGGAAGAAGTCAGTGGAAGAAGTTGCTT[C>A]TGAAATCCAGCCATTCCTTCGGGGTGCAGGATCTATCGCTGGAGCATCTGCTTCTCCTAA-3'
Protein context (NP_004406.2, residues 1996-2016): KGKKSVEEVA[Ser2006Tyr]EIQPFLRGAG